The following is an entry in ClinVar:

NM_198859.4(PRICKLE2):c.145-98C>G

Gene: PRICKLE2 (prickle planar cell polarity protein 2; minus strand). Cytogenetic location: 3p14.1.
Variant type: single nucleotide variant.
Coding change: c.145-98C>G on transcript NM_198859.4 (MANE Select); 98 bases into the intron before coding-DNA position 145, C replaced by G.
Molecular consequence: intron variant.
Genome position (GRCh38, 1-based): chr3:64,163,227, G>C on the plus strand (C>G on the coding strand, the complement: PRICKLE2 is on the minus strand). VCF-style: chr3-64163227-G-C. GRCh37 (hg19) VCF-style: chr3-64148903-G-C.
Other names: c.145-98C>G (NM_001370528.1).
Identifiers: ClinVar variation 3776117 (VCV003776117.1).

ClinVar aggregate classification (germline): Uncertain significance (1 of 4 stars; one submission).

Conditions:
PRICKLE2-related neurodevelopmental disorder.

Submission:

3billion
Classification: Uncertain significance for PRICKLE2-related neurodevelopmental disorder. Last evaluated: 2023-06-12. Review status: criteria provided, single submitter. Criteria: ACMG Guidelines, 2015. Collection method: clinical testing. Allele origin: germline. Affected: yes.
Comment: The variant is not observed in the gnomAD v2.1.1 dataset. Predicted Consequence/Location: Intron variant In silico tools predict the variant to alter splicing and produce an abnormal transcript (SpliceAI: 0.62). Therefore, this variant is classified as VUS according to the recommendation of ACMG/AMP guideline.